The following is an entry in ClinVar:

NM_006996.3(SLC19A2):c.515G>A (p.Gly172Asp)

Gene: SLC19A2 (solute carrier family 19 member 2; minus strand). Cytogenetic location: 1q24.2.
Variant type: single nucleotide variant.
Coding change: c.515G>A on transcript NM_006996.3 (MANE Select); coding-DNA position 515, G replaced by A.
Protein change: p.Gly172Asp; replaces glycine 172 with aspartic acid.
Molecular consequence: missense variant. On other transcripts: intron variant (1).
Genome position (GRCh38, 1-based): chr1:169,477,447, C>T on the plus strand (G>A on the coding strand, the complement: SLC19A2 is on the minus strand). VCF-style: chr1-169477447-C-T. GRCh37 (hg19) VCF-style: chr1-169446685-C-T.
Other names: c.205-7261G>A (NM_001319667.1); short protein forms G172D.
Identifiers: ClinVar variation 5957 (VCV000005957.14), dbSNP rs28937595, ClinGen allele CA253658.

ClinVar aggregate classification (germline): Pathogenic/Likely pathogenic. Review status: criteria provided, multiple submitters, no conflicts (2 of 4 stars). 6 submissions from 6 submitters: Pathogenic (4); Likely pathogenic (1). 1 of the submissions does not count toward it. Last evaluated 2026-01-08.

Conditions:
SLC19A2-related disorder. Also called: SLC19A2-related condition.
Megaloblastic anemia, thiamine-responsive, with diabetes mellitus and sensorineural deafness (TRMA). Also called: THIAMINE METABOLISM DYSFUNCTION SYNDROME 1 (MEGALOBLASTIC ANEMIA, DIABETES MELLITUS, AND DEAFNESS TYPE); ROGERS SYNDROME; THIAMINE-RESPONSIVE ANEMIA SYNDROME; THIAMINE-RESPONSIVE MYELODYSPLASIA; Thiamine-Responsive Megaloblastic Anemia Syndrome. Identifiers: Orphanet 49827, MedGen C0342287, MONDO:0009575, OMIM 249270.

Allele frequency attached by ClinVar (database versions not stated): gnomAD 0.00001; TOPMed 0.00001.
gnomAD v4.1: 12 of 1,614,020 alleles (0.00074%); highest among the groups gnomAD compares: African/African-American, 0.004%; no homozygotes.

Submissions (6):

Labcorp Genetics (formerly Invitae), Labcorp
Classification: Pathogenic. Last evaluated: 2026-01-08. Review status: criteria provided, single submitter. Criteria: Invitae Variant Classification Sherloc (09022015). Collection method: clinical testing. Allele origin: germline.
Comment: This sequence change replaces glycine, which is neutral and non-polar, with aspartic acid, which is acidic and polar, at codon 172 of the SLC19A2 protein (p.Gly172Asp). This variant is present in population databases (rs28937595, gnomAD 0.002%). This missense change has been observed in individual(s) with autosomal recessive thiamine-responsive megaloblastic anemia (PMID: 9856490, 10391221, 19643445, 33816400). It has also been observed to segregate with disease in related individuals. ClinVar contains an entry for this variant (Variation ID: 5957). Invitae Evidence Modeling of protein sequence and biophysical properties (such as structural, functional, and spatial information, amino acid conservation, physicochemical variation, residue mobility, and thermodynamic stability) indicates that this missense variant is expected to disrupt SLC19A2 protein function with a positive predictive value of 95%. Experimental studies are conflicting or provide insufficient evidence to determine the effect of this variant on SLC19A2 function (PMID: 12065289, 12435857). For these reasons, this variant has been classified as Pathogenic.

GeneDx
Classification: Pathogenic. Last evaluated: 2025-03-07. Review status: criteria provided, single submitter. Criteria: GeneDx Variant Classification Process June 2021. Collection method: clinical testing. Allele origin: germline. Affected: yes.
Comment: Published functional studies resulted in absent thiamine transport and retention of the protein in the endoplasmic reticulum, demonstrating a damaging effect (PMID: 12435857); Not observed at significant frequency in large population cohorts (gnomAD); In silico analysis supports that this missense variant has a deleterious effect on protein structure/function; This variant is associated with the following publications: (PMID: 12065289, 31589614, 31095747, 17463047, 23454484, 29450569, 19643445, 22369132, 35686496, 33571483, 10874303, 28371426, 15871139, 19619756, 10391221, 33816400, 12435857)

Fulgent Genetics
Classification: Likely pathogenic for Megaloblastic anemia, thiamine-responsive, with diabetes mellitus and sensorineural deafness. Last evaluated: 2024-03-13. Review status: criteria provided, single submitter. Criteria: ACMG Guidelines, 2015. Collection method: clinical testing. Allele origin: germline.

Blueprint Genetics
Classification: Pathogenic for SLC19A2-related disorders. Last evaluated: 2018-10-29. Review status: criteria provided, single submitter. Criteria: ACMG Guidelines, 2015. Collection method: clinical testing. Allele origin: germline. Affected: yes. Observed: 1 variant allele.

Illumina Laboratory Services, Illumina
Classification: Pathogenic for Megaloblastic anemia, thiamine-responsive, with diabetes mellitus and sensorineural deafness. Last evaluated: 2018-10-10. Review status: criteria provided, single submitter. Criteria: ICSL Variant Classification Criteria 09 May 2019. Collection method: clinical testing. Allele origin: germline.
Comment: The SLC19A2 c.515G>A (p.Gly172Asp) missense variant has been reported in three studies in which it is found in a total of five probands with thiamine-responsive megaloblastic anemia syndrome (TRMA) including in two in a homozygous state and in three in a compound heterozygous state (of whom two are siblings) (Labay et al. 1999; Alzahrani et al. 2006; Bergmann et al. 2009). Control data are unavailable for this variant, which is reported at a frequency of 0.00001 in the European (non-Finnish) population of the Genome Aggregation Database based on two alleles in a region of good sequence coverage so the variant is presumed to be rare. More than one functional study in cultured cells transfected with variant p.Gly172Asp protein, demonstrated significantly decreased thiamine uptake compared to cells transfected with wild type protein (Balamurugan et al. 2002; Baron et al. 2002; Subramanian et al. 2007). The localization of the variant protein compared to wild type differed between studies. Baron et al. (2002) reports that the p.Gly172Asp variant protein could not be detected under normal physiological conditions, but at lower temperatures was shown to be localized in the cytoplasm and endoplasmic reticulum (compared to wild type located in the cytoplasm and at the plasma membrane), and demonstrated partial N-glycosylation and altered protein folding. Subramanian et al. (2007) reports that the p.Gly172Asp variant protein was absent from the cytoplasmic fraction and shown to be completely retained within the endoplasmic reticulum. Based on the collective evidence, the p.Gly172Asp variant is classified as pathogenic for thiamine-responsive megaloblastic anemia syndrome. This variant was observed by ICSL as part of a predisposition screen in an ostensibly healthy population.

OMIM
Classification: Pathogenic for THIAMINE-RESPONSIVE MEGALOBLASTIC ANEMIA SYNDROME. Last evaluated: 1999-07-01. Review status: no assertion criteria provided. Collection method: literature only. Allele origin: germline. Not counted in ClinVar's aggregate classification.

Literature cited by the submitters: PubMed 9856490 (cited by Labcorp Genetics (formerly Invitae), Labcorp); PubMed 10391221 (cited by 3 submitters); PubMed 19643445 (cited by Labcorp Genetics (formerly Invitae), Labcorp and Illumina Laboratory Services, Illumina); PubMed 33816400 (cited by Labcorp Genetics (formerly Invitae), Labcorp); PubMed 12065289 (cited by Labcorp Genetics (formerly Invitae), Labcorp and Illumina Laboratory Services, Illumina); PubMed 12435857 (cited by Labcorp Genetics (formerly Invitae), Labcorp and Illumina Laboratory Services, Illumina); PubMed 17132746 (cited by Illumina Laboratory Services, Illumina); PubMed 17463047 (cited by Illumina Laboratory Services, Illumina).